The following is an entry in ClinVar:

ClinVar aggregate classification (germline): Uncertain significance (1 of 4 stars; one submission).

gnomAD v4.1: 6 of 1,614,198 alleles (0.00037%); highest among the groups gnomAD compares: Non-Finnish European, 0.00051%; no homozygotes.

Submission:

Labcorp Genetics (formerly Invitae), Labcorp
Classification: Uncertain significance. Last evaluated: 2021-11-24. Review status: criteria provided, single submitter. Criteria: Invitae Variant Classification Sherloc (09022015). Collection method: clinical testing. Allele origin: germline.
Comment: This sequence change replaces threonine, which is neutral and polar, with isoleucine, which is neutral and non-polar, at codon 553 of the TNFAIP3 protein (p.Thr553Ile). This variant is not present in population databases (gnomAD no frequency). This variant has not been reported in the literature in individuals affected with TNFAIP3-related conditions. Algorithms developed to predict the effect of missense changes on protein structure and function (SIFT, PolyPhen-2, Align-GVGD) all suggest that this variant is likely to be tolerated. In summary, the available evidence is currently insufficient to determine the role of this variant in disease. Therefore, it has been classified as a Variant of Uncertain Significance.

NM_001270508.2(TNFAIP3):c.1658C>T (p.Thr553Ile)

Gene: TNFAIP3 (TNF alpha induced protein 3; plus strand). Cytogenetic location: 6q23.3.
Variant type: single nucleotide variant.
Coding change: c.1658C>T on transcript NM_001270508.2 (MANE Select); coding-DNA position 1658, C replaced by T.
Protein change: p.Thr553Ile; replaces threonine 553 with isoleucine.
Molecular consequence: missense variant.
Genome position (GRCh38, 1-based): chr6:137,879,103, C>T. VCF-style: chr6-137879103-C-T. GRCh37 (hg19) VCF-style: chr6-138200240-C-T.
Other names: c.1658C>T, p.Thr553Ile (NM_001270507.2, NM_006290.4); short protein forms T553I.
Identifiers: ClinVar variation 1399322 (VCV001399322.6), dbSNP rs2114503550, ClinGen allele CA365793209.